The following is an entry in ClinVar:

NM_000158.4(GBE1):c.1857_1860dup (p.Leu621fs)

Gene: GBE1 (1,4-alpha-glucan branching enzyme 1; minus strand). Cytogenetic location: 3p12.2.
Variant type: Duplication.
Coding change: c.1857_1860dup on transcript NM_000158.4 (MANE Select); coding-DNA positions 1857 to 1860, 4 bases duplicated (AGGT; older notation c.1857_1860dupAGGT).
Protein change: p.Leu621fs; shifts the reading frame from leucine 621.
Molecular consequence: frameshift variant.
Genome position (GRCh38, 1-based): chr3:81,535,269-81,535,272, ACCT duplicated on the plus strand (AGGT on the coding strand, the reverse complement: GBE1 is on the minus strand). VCF-style (leftmost placement, unchanged base first): chr3-81535268-G-GACCT. GRCh37 (hg19) VCF-style: chr3-81584419-G-GACCT.
Other names: short protein forms L621fs.
Identifiers: ClinVar variation 5011647 (VCV005011647.1).
Genomic context (GRCh38, chr3:81,535,268, plus strand): 5'-CTGTTCCAACTCGGTAGTCAGTGTAGCTCTTGCTTGGATGGAAGTTGAAAATGAAAAGAA[G>GACCT]ACCTGCTCTTTCAAAAGCAATGATCTTATTGCCTTCATGTTTTTCACTCACGTAGGCCTG-3'

ClinVar aggregate classification (germline): Pathogenic (1 of 4 stars; one submission).

Conditions:
Glycogen storage disease, type IV (GSD4). Also called: AMYLOPECTINOSIS; ANDERSEN DISEASE; BRANCHER DEFICIENCY; CIRRHOSIS, FAMILIAL, WITH DEPOSITION OF ABNORMAL GLYCOGEN; GBE1 DEFICIENCY; GLYCOGEN BRANCHING ENZYME DEFICIENCY. Identifiers: Orphanet 367, MedGen C0017923, MONDO:0009292, OMIM 232500.

Submission:

Myriad Genetics, Inc.
Classification: Pathogenic for Glycogen storage disease, type IV. Last evaluated: 2023-09-12. Review status: criteria provided, single submitter. Criteria: Myriad Autosomal Dominant, Autosomal Recessive and X-Linked Classification Criteria (2023). Collection method: clinical testing. Allele origin: unknown.
Comment: NM_000158.3(GBE1):c.1857_1860dupAGGT(L621Rfs*16) is expected to be pathogenic in the context of glycogen storage disease, GBE1-related. This variant is predicted to lead to an abnormal or absent protein product due to the creation of a premature termination codon in GBE1, a gene where loss-of-function variants are known to be pathogenic. Please note: this variant was assessed in the context of healthy population screening.